The following is an entry in ClinVar:

NM_004672.5(MAP3K6):c.1824C>G (p.His608Gln)

Gene: MAP3K6 (mitogen-activated protein kinase kinase kinase 6; minus strand). Cytogenetic location: 1p36.11.
Variant type: single nucleotide variant.
Coding change: c.1824C>G on transcript NM_004672.5 (MANE Select); coding-DNA position 1824, C replaced by G.
Protein change: p.His608Gln; replaces histidine 608 with glutamine.
Molecular consequence: missense variant.
Genome position (GRCh38, 1-based): chr1:27,361,165, G>C on the plus strand (C>G on the coding strand, the complement: MAP3K6 is on the minus strand). VCF-style: chr1-27361165-G-C. GRCh37 (hg19) VCF-style: chr1-27687656-G-C.
Other names: c.1800C>G, p.His600Gln (NM_001297609.2); c.1824C>G (NM_004672.4); short protein forms H608Q, H600Q.
Identifiers: ClinVar variation 2267578 (VCV002267578.3), dbSNP rs2015748736, ClinGen allele CA339214246.

ClinVar aggregate classification (germline): Uncertain significance. Review status: criteria provided, multiple submitters, no conflicts (2 of 4 stars). 2 submissions from 2 submitters: Uncertain significance (2). Last evaluated 2024-12-16.

Conditions:
MAP3K6-related disorder. Also called: MAP3K6-related condition.

Allele frequency attached by ClinVar (database versions not stated): gnomAD exomes below 0.00001; TOPMed below 0.00001.
gnomAD v4.1: 2 of 1,610,090 alleles (0.00012%); highest among the groups gnomAD compares: Middle Eastern, 0.017%; no homozygotes.

Submissions (2):

PreventionGenetics, part of Exact Sciences
Classification: Uncertain significance for MAP3K6-related condition. Last evaluated: 2024-12-16. Review status: criteria provided, single submitter. Criteria: ACMG Guidelines, 2015. Collection method: clinical testing. Allele origin: germline.
Comment: The MAP3K6 c.1824C>G variant is predicted to result in the amino acid substitution p.His608Gln. To our knowledge, this variant has not been reported in the literature or in a large population database (gnomAD), indicating this variant is rare. At this time, the clinical significance of this variant is uncertain due to the absence of conclusive functional and genetic evidence.

Ambry Genetics
Classification: Uncertain significance. Last evaluated: 2021-12-16. Review status: criteria provided, single submitter. Criteria: Ambry Variant Classification Scheme 2023. Collection method: clinical testing. Allele origin: germline.